The following is an entry in ClinVar:

NM_033337.3(CAV3):c.227T>C (p.Leu76Ser)

Genes: CAV3 (caveolin 3; plus strand), OXTR (oxytocin receptor; minus strand). Cytogenetic location: 3p25.3.
Variant type: single nucleotide variant.
Coding change: c.227T>C on transcript NM_033337.3 (MANE Select); coding-DNA position 227, T replaced by C.
Protein change: p.Leu76Ser; replaces leucine 76 with serine.
Molecular consequence: missense variant.
Genome position (GRCh38, 1-based): chr3:8,745,638, T>C. VCF-style: chr3-8745638-T-C. GRCh37 (hg19) VCF-style: chr3-8787324-T-C.
Other names: c.227T>C, p.Leu76Ser (NM_001234.5); short protein forms L76S.
Identifiers: ClinVar variation 977709 (VCV000977709.1), dbSNP rs755505530, ClinGen allele CA351663336.

ClinVar aggregate classification (germline): Uncertain significance (1 of 4 stars; one submission).

Submission:

Women's Health and Genetics/Laboratory Corporation of America, LabCorp
Classification: Uncertain significance. Last evaluated: 2020-08-17. Review status: criteria provided, single submitter. Criteria: LabCorp Variant Classification Summary - May 2015. Collection method: clinical testing. Allele origin: germline.
Comment: Variant summary: CAV3 c.227T>C (p.Leu76Ser) results in a non-conservative amino acid change in the encoded protein sequence. Five of five in-silico tools predict a damaging effect of the variant on protein function. The variant was absent in 251098 control chromosomes (gnomAD). The available data on variant occurrences in the general population are insufficient to allow any conclusion about variant significance. To our knowledge, no occurrence of c.227T>C in individuals affected with Hypertrophic Cardiomyopathy and no experimental evidence demonstrating its impact on protein function have been reported. No clinical diagnostic laboratories have submitted clinical-significance assessments for this variant to ClinVar after 2014. Based on the evidence outlined above, the variant was classified as uncertain significance.